The following is an entry in ClinVar:

ClinVar aggregate classification (germline): Likely pathogenic (1 of 4 stars; one submission).

Conditions:
Neuromuscular disease caused by qualitative or quantitative defects of dystrophin. Also called: Qualitative or quantitative defects of dystrophin. Identifiers: Orphanet 207085, MedGen C5679787, MONDO:0016147.

Submission:

Women's Health and Genetics/Laboratory Corporation of America, LabCorp
Classification: Likely pathogenic for Neuromuscular disease caused by qualitative or quantitative defects of dystrophin. Last evaluated: 2026-02-20. Review status: criteria provided, single submitter. Criteria: LabCorp Variant Classification Summary - May 2015. Collection method: clinical testing. Allele origin: germline.
Comment: Variant summary: The variant involves the duplication of exons 54-60 in the DMD gene. A presumed nomenclature of c.(7872+1_7873-1)_(9084+1_9085-1)dup has been designated for the purposes of this classification. It is assumed to be a tandem duplication in direct orientation (PMIDs: 25640679, 30054569). This Copy Number Variant (CNV) is predicted to result in an in-frame duplication within the rod domain of the DMD gene. The variant was absent in 95257 control chromosomes in the gnomAD database (Structural Variants v4.1 dataset). The duplication of exons 54-60 has been observed in hemizygous state in individuals affected with Dystrophinopathies, and was also reported in female carriers (e.g. Guo_2015, Ling_2020, Tong_2020, Yang_2025). These data indicate that the variant is likely to be associated with disease. To our knowledge, no experimental evidence demonstrating an impact on protein function has been reported. The following publications have been ascertained in the context of this evaluation (PMID: 25972034, 31705731, 33101180). ClinVar contains an entry for this variant (Variation ID: 3243286). Based on the evidence outlined above, the variant was classified as likely pathogenic.

Literature cited by the submitters: PubMed 31705731; PubMed 25972034; PubMed 33101180.

NC_000023.10:g.(31366752_31462597)_(31676262_31697491)dup

Gene: DMD (dystrophin; minus strand). Cytogenetic location: Xp21.2-21.1.
Variant type: Duplication.
Identifiers: ClinVar variation 4848190 (VCV004848190.1).